The following is an entry in ClinVar:

NM_003458.4(BSN):c.7423G>C (p.Ala2475Pro)

Gene: BSN (bassoon presynaptic cytomatrix protein; plus strand). Cytogenetic location: 3p21.31.
Variant type: single nucleotide variant.
Coding change: c.7423G>C on transcript NM_003458.4 (MANE Select); coding-DNA position 7423, G replaced by C.
Protein change: p.Ala2475Pro; replaces alanine 2475 with proline.
Molecular consequence: missense variant.
Genome position (GRCh38, 1-based): chr3:49,656,979, G>C. VCF-style: chr3-49656979-G-C. GRCh37 (hg19) VCF-style: chr3-49694412-G-C.
Other names: short protein forms A2475P.
Identifiers: ClinVar variation 3900331 (VCV003900331.2).

ClinVar aggregate classification (germline): Uncertain significance. Review status: criteria provided, multiple submitters, no conflicts (2 of 4 stars). 2 submissions from 2 submitters: Uncertain significance (2). Last evaluated 2025-11-20.

gnomAD v4.1: 379 of 1,609,072 alleles (0.024%); highest among the groups gnomAD compares: African/African-American, 0.42%; 2 homozygotes.

Submissions (2):

Ambry Genetics
Classification: Uncertain significance. Last evaluated: 2025-11-20. Review status: criteria provided, single submitter. Criteria: Ambry Variant Classification Scheme 2023. Collection method: clinical testing. Allele origin: germline.

GeneDx
Classification: Uncertain significance. Last evaluated: 2024-04-08. Review status: criteria provided, single submitter. Criteria: GeneDx Variant Classification Process June 2021. Collection method: clinical testing. Allele origin: germline. Affected: yes.
Comment: In silico analysis indicates that this missense variant does not alter protein structure/function; Has not been previously published as pathogenic or benign to our knowledge; Variants in candidate genes are classified as variants of uncertain significance in accordance with ACMG guidelines (PMID: 25741868)